The following is an entry in ClinVar:

NM_001378454.1(ALMS1):c.10181A>G (p.Lys3394Arg)

Gene: ALMS1 (ALMS1 centrosome and basal body associated protein; plus strand). Cytogenetic location: 2p13.1.
Variant type: single nucleotide variant.
Coding change: c.10181A>G on transcript NM_001378454.1 (MANE Select); coding-DNA position 10181, A replaced by G.
Protein change: p.Lys3394Arg; replaces lysine 3394 with arginine.
Molecular consequence: missense variant.
Genome position (GRCh38, 1-based): chr2:73,557,322, A>G. VCF-style: chr2-73557322-A-G. GRCh37 (hg19) VCF-style: chr2-73784449-A-G.
Other names: c.10184A>G, p.Lys3395Arg (NM_015120.4); short protein forms K3394R, K3395R.
Identifiers: ClinVar variation 4982297 (VCV004982297.1).
Genomic context (GRCh38, chr2:73,557,322, plus strand): 5'-CAGACAAAAAACAGCAAGAGATTCACAGTACAAGGGCAGTGACTGAGGCTGCCCAGGCTA[A>G]AGAAAAAGAATCTTTGCAGAAAGATACTGCAGGTAGCTAAACTGGATTGTCTGCGTATTA-3'
Protein context (NP_001365383.1, residues 3384-3404): TRAVTEAAQA[Lys3394Arg]EKESLQKDTA

ClinVar aggregate classification (germline): Uncertain significance (1 of 4 stars; one submission).

Conditions:
ALMS1-related disorder. Also called: ALMS1-related condition.

Submission:

PreventionGenetics, part of Exact Sciences
Classification: Uncertain significance for ALMS1-related condition. Last evaluated: 2026-05-23. Review status: criteria provided, single submitter. Criteria: ACMG Guidelines, 2015. Collection method: clinical testing. Allele origin: germline.
Comment: The ALMS1 c.10184A>G variant is predicted to result in the amino acid substitution p.Lys3395Arg. To our knowledge, this variant has not been reported in the literature or in a large population database (gnomAD), indicating this variant is rare. At this time, the clinical significance of this variant is uncertain due to the absence of conclusive functional and genetic evidence.